The following is an entry in ClinVar:

ClinVar aggregate classification (germline): Benign. Review status: criteria provided, single submitter (1 of 4 stars). 2 submissions from 2 submitters: Benign (1). 1 of the submissions does not count toward it. Last evaluated 2025-09-08.

Conditions:
HIVEP2-related disorder. Also called: HIVEP2-related condition.

Allele frequency attached by ClinVar (database versions not stated): TOPMed below 0.00001; gnomAD exomes 0.00008; gnomAD 0.00009; ExAC 0.00021.
gnomAD v4.1: 127 of 1,613,482 alleles (0.0079%); highest among the groups gnomAD compares: South Asian, 0.14%; 3 homozygotes.

Submissions (2):

Labcorp Genetics (formerly Invitae), Labcorp
Classification: Benign. Last evaluated: 2025-09-08. Review status: criteria provided, single submitter. Criteria: Invitae Variant Classification Sherloc (09022015). Collection method: clinical testing. Allele origin: germline.

PreventionGenetics, part of Exact Sciences
Classification: Likely benign for HIVEP2-related condition. Last evaluated: 2019-07-01. Review status: no assertion criteria provided. Collection method: clinical testing. Allele origin: germline. Not counted in ClinVar's aggregate classification.
Comment: This variant is classified as likely benign based on ACMG/AMP sequence variant interpretation guidelines (Richards et al. 2015 PMID: 25741868, with internal and published modifications).

NM_006734.4(HIVEP2):c.3447G>A (p.Gly1149=)

Gene: HIVEP2 (HIVEP zinc finger 2; minus strand). Cytogenetic location: 6q24.2.
Variant type: single nucleotide variant.
Coding change: c.3447G>A on transcript NM_006734.4 (MANE Select); coding-DNA position 3447, G replaced by A.
Protein change: p.Gly1149=; no amino-acid change (glycine 1149 retained).
Molecular consequence: synonymous variant.
Genome position (GRCh38, 1-based): chr6:142,771,292, C>T on the plus strand (G>A on the coding strand, the complement: HIVEP2 is on the minus strand). VCF-style: chr6-142771292-C-T. GRCh37 (hg19) VCF-style: chr6-143092429-C-T.
Other names: c.3447G>A (NM_006734.3).
Identifiers: ClinVar variation 2428332 (VCV002428332.9), dbSNP rs746015531, ClinGen allele CA4028243.